The following is an entry in ClinVar:

ClinVar aggregate classification (germline): Conflicting classifications of pathogenicity. Review status: criteria provided, conflicting classifications (1 of 4 stars). 3 submissions from 3 submitters: Uncertain significance (1); Likely benign (1). 1 of the submissions does not count toward it. Last evaluated 2025-04-17.

Conditions:
Nemaline myopathy 2 (NEM2). Also called: Nemaline myopathy 2, autosomal recessive. Identifiers: MedGen C1850569, MONDO:0009725, OMIM 256030.

Allele frequency attached by ClinVar (database versions not stated): gnomAD exomes below 0.00001 and 0.00001; ExAC 0.00001; TOPMed 0.00002; gnomAD 0.00003 and 0.00004; ESP Exome Variant Server 0.00008.
gnomAD v4.1: 10 of 1,609,364 alleles (0.00062%); highest among the groups gnomAD compares: East Asian, 0.0022%; no homozygotes.

Submissions (3):

Labcorp Genetics (formerly Invitae), Labcorp
Classification: Likely benign for Nemaline myopathy 2. Last evaluated: 2025-04-17. Review status: criteria provided, single submitter. Criteria: Invitae Variant Classification Sherloc (09022015). Collection method: clinical testing. Allele origin: germline.

GeneDx
Classification: Uncertain significance. Last evaluated: 2022-01-21. Review status: criteria provided, single submitter. Criteria: GeneDx Variant Classification Process June 2021. Collection method: clinical testing. Allele origin: germline. Affected: yes.
Comment: Has not been previously published as pathogenic or benign to our knowledge; In silico analysis, which includes protein predictors and evolutionary conservation, supports a deleterious effect

Natera, Inc.
Classification: Uncertain significance for Nemaline myopathy type 2. Last evaluated: 2019-11-11. Review status: no assertion criteria provided. Collection method: clinical testing. Allele origin: germline. Not counted in ClinVar's aggregate classification.

NM_001164508.2(NEB):c.19214A>G (p.Tyr6405Cys)

Gene: NEB (nebulin; minus strand). Cytogenetic location: 2q23.3.
Variant type: single nucleotide variant.
Coding change: c.19214A>G on transcript NM_001164508.2 (MANE Select); coding-DNA position 19214, A replaced by G.
Protein change: p.Tyr6405Cys; replaces tyrosine 6405 with cysteine.
Molecular consequence: missense variant.
Genome position (GRCh38, 1-based): chr2:151,560,692, T>C on the plus strand (A>G on the coding strand, the complement: NEB is on the minus strand). VCF-style: chr2-151560692-T-C. GRCh37 (hg19) VCF-style: chr2-152417206-T-C.
Other names: c.19214A>G, p.Tyr6405Cys (NM_001164507.2, NM_001271208.2); c.14111A>G, p.Tyr4704Cys (NM_004543.5); short protein forms Y6405C, Y4704C.
Identifiers: ClinVar variation 534022 (VCV000534022.16), dbSNP rs368240939, ClinGen allele CA1907718.